The following is an entry in ClinVar:

NM_020821.3(VPS13C):c.9152G>A (p.Trp3051Ter)

Gene: VPS13C (vacuolar protein sorting 13 homolog C; minus strand). Cytogenetic location: 15q22.2.
Variant type: single nucleotide variant.
Coding change: c.9152G>A on transcript NM_020821.3 (MANE Select); coding-DNA position 9152, G replaced by A.
Protein change: p.Trp3051Ter; replaces tryptophan 3051 with a stop codon.
Molecular consequence: nonsense.
Genome position (GRCh38, 1-based): chr15:61,890,354, C>T on the plus strand (G>A on the coding strand, the complement: VPS13C is on the minus strand). VCF-style: chr15-61890354-C-T. GRCh37 (hg19) VCF-style: chr15-62182553-C-T.
Other names: c.9152G>A, p.Trp3051Ter (NM_001018088.3); c.9023G>A, p.Trp3008Ter (NM_017684.5, NM_018080.4); short protein forms W3008*, W3051*.
Identifiers: ClinVar variation 4535859 (VCV004535859.1).

ClinVar aggregate classification (germline): Pathogenic (1 of 4 stars; one submission).

Conditions:
Autosomal recessive early-onset Parkinson disease 23. Identifiers: Orphanet 2828, MedGen C4225186, MONDO:0014796, OMIM 616840.

gnomAD v4.1: 5 of 1,613,908 alleles (0.00031%); highest among the groups gnomAD compares: African/African-American, 0.0067%; no homozygotes.

Submission:

Women's Health and Genetics/Laboratory Corporation of America, LabCorp
Classification: Pathogenic for Autosomal recessive early-onset Parkinson disease 23. Last evaluated: 2025-09-03. Review status: criteria provided, single submitter. Criteria: LabCorp Variant Classification Summary - May 2015. Collection method: clinical testing. Allele origin: germline.
Comment: Variant summary: VPS13C c.9152G>A (p.Trp3051X) results in a premature termination codon, predicted to cause a truncation of the encoded protein or absence of the protein due to nonsense mediated decay, which are commonly known mechanisms for disease. The variant allele was found at a frequency of 8e-06 in 251252 control chromosomes. To our knowledge, no occurrence of c.9152G>A in individuals affected with VPS13C-related conditions and no experimental evidence demonstrating its impact on protein function have been reported. No submitters have cited clinical-significance assessments for this variant to ClinVar. Based on the evidence outlined above, the variant was classified as pathogenic.